The following is an entry in ClinVar:

NC_000017.10:g.(?_41256119)_(41258570_?)dup

Gene: BRCA1 (BRCA1 DNA repair associated; minus strand). Cytogenetic location: 17q21.31.
Variant type: Duplication.
Identifiers: ClinVar variation 1067334 (VCV001067334.3).

ClinVar aggregate classification (germline): Likely pathogenic (1 of 4 stars; one submission).

Conditions:
Hereditary breast ovarian cancer syndrome. Also called: Breast and ovarian cancer; BRCA1- and BRCA2-Associated Hereditary Breast and Ovarian Cancer; Hereditary breast and ovarian cancer syndrome; Hereditary breast and/or ovarian cancer syndrome; Hereditary breast and ovarian cancer; Hereditary breast and ovarian cancer syndrome (HBOC). Identifiers: Orphanet 145, MedGen C0677776, MeSH D061325, MONDO:0003582. Disease mechanism: loss of function.

Submission:

Labcorp Genetics (formerly Invitae), Labcorp
Classification: Likely pathogenic for Hereditary breast ovarian cancer syndrome. Last evaluated: 2022-07-12. Review status: criteria provided, single submitter. Criteria: Invitae Variant Classification Sherloc (09022015). Collection method: clinical testing. Allele origin: germline.
Comment: In summary, the currently available evidence indicates that the variant is pathogenic, but additional data are needed to prove that conclusively. Therefore, this variant has been classified as Likely Pathogenic. This variant is also known as duplication of exons 5-7. A similar copy number variant has been observed in individual(s) with a personal and/or family history of breast and/or ovarian cancer (PMID: 22473970, 26271414, 28351343). This variant results in a copy number gain of the genomic region encompassing exon(s) 4-6 of the BRCA1 gene. While the exact position of this variant cannot be determined from the data, sub-genic copy number gains are generally in tandem (PMID: 25640679). This variant is predicted to be out-of-frame, and may result in an absent or disrupted protein product. Loss-of-function variants in BRCA1 are known to be pathogenic (PMID: 20104584).

Literature cited by the submitters: PubMed 22473970; PubMed 26271414; PubMed 28351343; PubMed 25640679; PubMed 20104584.